The following is an entry in ClinVar:

ClinVar aggregate classification (germline): Conflicting classifications of pathogenicity. Review status: criteria provided, conflicting classifications (1 of 4 stars). 3 submissions from 3 submitters: Uncertain significance (2); Likely benign (1). Last evaluated 2025-10-27.

Conditions:
Congenital myotonia, autosomal dominant form (THD). Also called: THOMSEN DISEASE; Myotonia congenita autosomal dominant. Identifiers: Orphanet 614, MedGen C2936781, MONDO:0008055, OMIM 160800.
Congenital myotonia, autosomal recessive form. Also called: Becker Generalized Myotonia; myotonia congenita, autosomal recessive; BECKER DISEASE. Identifiers: Orphanet 614, MedGen C0751360, MONDO:0009715, OMIM 255700.
Batten-Turner congenital myopathy. Also called: Myotonia congenita; Congenital myotonia. Identifiers: Orphanet 206973, MedGen C0027127, MONDO:0100468, OMIM 255300.

Allele frequency attached by ClinVar (database versions not stated): gnomAD exomes 0.00002 and 0.00006; TOPMed 0.00002; ExAC 0.00005.
gnomAD v4.1: 33 of 1,613,980 alleles (0.002%); highest among the groups gnomAD compares: South Asian, 0.024%; no homozygotes.

Submissions (3):

Labcorp Genetics (formerly Invitae), Labcorp
Classification: Uncertain significance for Congenital myotonia, autosomal recessive form; Congenital myotonia, autosomal dominant form. Last evaluated: 2025-10-27. Review status: criteria provided, single submitter. Criteria: Invitae Variant Classification Sherloc (09022015). Collection method: clinical testing. Allele origin: germline.
Comment: This sequence change replaces serine, which is neutral and polar, with phenylalanine, which is neutral and non-polar, at codon 941 of the CLCN1 protein (p.Ser941Phe). This variant is present in population databases (rs769053787, gnomAD 0.04%). This variant has not been reported in the literature in individuals affected with CLCN1-related conditions. ClinVar contains an entry for this variant (Variation ID: 910142). Invitae Evidence Modeling of protein sequence and biophysical properties (such as structural, functional, and spatial information, amino acid conservation, physicochemical variation, residue mobility, and thermodynamic stability) indicates that this missense variant is not expected to disrupt CLCN1 protein function with a negative predictive value of 95%. In summary, the available evidence is currently insufficient to determine the role of this variant in disease. Therefore, it has been classified as a Variant of Uncertain Significance.

GeneDx
Classification: Uncertain significance. Last evaluated: 2024-07-18. Review status: criteria provided, single submitter. Criteria: GeneDx Variant Classification Process June 2021. Collection method: clinical testing. Allele origin: germline. Affected: yes.
Comment: In silico analysis indicates that this missense variant does not alter protein structure/function; Has not been previously published as pathogenic or benign to our knowledge

Illumina Laboratory Services, Illumina
Classification: Likely benign for Myotonia congenita. Last evaluated: 2018-01-13. Review status: criteria provided, single submitter. Criteria: ICSL Variant Classification Criteria 13 December 2019. Collection method: clinical testing. Allele origin: germline.
Comment: This variant was observed in the ICSL laboratory as part of a predisposition screen in an ostensibly healthy population. It had not been previously curated by ICSL or reported in the Human Gene Mutation Database (HGMD: prior to June 1st, 2018), and was therefore a candidate for classification through an automated scoring system. Utilizing variant allele frequency, disease prevalence and penetrance estimates, and inheritance mode, an automated score was calculated to assess if this variant is too frequent to cause the disease. Based on the score and internal cut-off values, a variant classified as likely benign is not then subjected to further curation. The score for this variant resulted in a classification of likely benign for this disease.

NM_000083.3(CLCN1):c.2822C>T (p.Ser941Phe)

Gene: CLCN1 (chloride voltage-gated channel 1; plus strand). Cytogenetic location: 7q34.
Variant type: single nucleotide variant.
Coding change: c.2822C>T on transcript NM_000083.3 (MANE Select); coding-DNA position 2822, C replaced by T.
Protein change: p.Ser941Phe; replaces serine 941 with phenylalanine.
Molecular consequence: missense variant. On other transcripts: non-coding transcript variant (1).
Genome position (GRCh38, 1-based): chr7:143,351,820, C>T. VCF-style: chr7-143351820-C-T. GRCh37 (hg19) VCF-style: chr7-143048913-C-T.
Other names: short protein forms S941F.
Identifiers: ClinVar variation 910142 (VCV000910142.7), dbSNP rs769053787, ClinGen allele CA4537793.